The following is an entry in ClinVar:

ClinVar aggregate classification (germline): Uncertain significance (1 of 4 stars; one submission).

Conditions:
Imerslund-Grasbeck syndrome. Also called: Megaloblastic anemia due to inborn errors of metabolism; Imerslund-Gräsbeck syndrome; ENTEROCYTE COBALAMIN MALABSORPTION; ENTEROCYTE INTRINSIC FACTOR RECEPTOR, DEFECT OF; PERNICIOUS ANEMIA, JUVENILE, DUE TO SELECTIVE INTESTINAL MALABSORPTION OF VITAMIN B12, WITH PROTEINURIA. Identifiers: Orphanet 35858, MedGen C4551825, MONDO:0009853.

Allele frequency attached by ClinVar (database versions not stated): ExAC 0.00001; gnomAD 0.00001.
gnomAD v4.1: 5 of 1,613,948 alleles (0.00031%); highest among the groups gnomAD compares: Non-Finnish European, 0.00042%; no homozygotes.

Submission:

Labcorp Genetics (formerly Invitae), Labcorp
Classification: Uncertain significance for Imerslund-Grasbeck syndrome. Last evaluated: 2022-08-19. Review status: criteria provided, single submitter. Criteria: Invitae Variant Classification Sherloc (09022015). Collection method: clinical testing. Allele origin: germline.
Comment: This sequence change replaces phenylalanine, which is neutral and non-polar, with valine, which is neutral and non-polar, at codon 3251 of the CUBN protein (p.Phe3251Val). This variant is present in population databases (rs767835510, gnomAD 0.004%). This variant has not been reported in the literature in individuals affected with CUBN-related conditions. Algorithms developed to predict the effect of missense changes on protein structure and function are either unavailable or do not agree on the potential impact of this missense change (SIFT: "Tolerated"; PolyPhen-2: "Possibly Damaging"; Align-GVGD: "Class C0"). In summary, the available evidence is currently insufficient to determine the role of this variant in disease. Therefore, it has been classified as a Variant of Uncertain Significance.

NM_001081.4(CUBN):c.9751T>G (p.Phe3251Val)

Gene: CUBN (cubilin; minus strand). Cytogenetic location: 10p13.
Variant type: single nucleotide variant.
Coding change: c.9751T>G on transcript NM_001081.4 (MANE Select); coding-DNA position 9751, T replaced by G.
Protein change: p.Phe3251Val; replaces phenylalanine 3251 with valine.
Molecular consequence: missense variant.
Genome position (GRCh38, 1-based): chr10:16,840,960, A>C on the plus strand (T>G on the coding strand, the complement: CUBN is on the minus strand). VCF-style: chr10-16840960-A-C. GRCh37 (hg19) VCF-style: chr10-16882959-A-C.
Other names: short protein forms F3251V.
Identifiers: ClinVar variation 1716874 (VCV001716874.3), dbSNP rs767835510, ClinGen allele CA5422603.